The following is an entry in ClinVar:

NM_018089.3(ANKZF1):c.177A>C (p.Arg59Ser)

Gene: ANKZF1 (ankyrin repeat and zinc finger peptidyl tRNA hydrolase 1; plus strand). Cytogenetic location: 2q35.
Variant type: single nucleotide variant.
Coding change: c.177A>C on transcript NM_018089.3 (MANE Select); coding-DNA position 177, A replaced by C.
Protein change: p.Arg59Ser; replaces arginine 59 with serine.
Molecular consequence: missense variant. On other transcripts: intron variant (1).
Genome position (GRCh38, 1-based): chr2:219,231,956, A>C. VCF-style: chr2-219231956-A-C. GRCh37 (hg19) VCF-style: chr2-220096678-A-C.
Other names: c.177A>C, p.Arg59Ser (NM_001042410.2); c.-266-534A>C (NM_001282792.2); c.177A>C (NM_018089.2); short protein forms R59S.
Identifiers: ClinVar variation 769267 (VCV000769267.12), dbSNP rs13007650, ClinGen allele CA2120669.

ClinVar aggregate classification (germline): Benign. Review status: criteria provided, multiple submitters, no conflicts (2 of 4 stars). 3 submissions from 3 submitters: Benign (2). 1 of the submissions does not count toward it. Last evaluated 2026-02-01.

Conditions:
ANKZF1-related disorder. Also called: ANKZF1-related condition.

Allele frequency attached by ClinVar (database versions not stated): TOPMed 0.00482; ESP Exome Variant Server 0.00601; 1000 Genomes Project 0.00779; gnomAD exomes 0.00896 and 0.00883; gnomAD 0.00642 and 0.00692; 1000 Genomes Project 30x 0.00718; ExAC 0.00894.
gnomAD v4.1: 13,906 of 1,614,068 alleles (0.86%); highest among the groups gnomAD compares: South Asian, 2.2%; 101 homozygotes.

Submissions (3):

Labcorp Genetics (formerly Invitae), Labcorp
Classification: Benign. Last evaluated: 2026-02-01. Review status: criteria provided, single submitter. Criteria: Invitae Variant Classification Sherloc (09022015). Collection method: clinical testing. Allele origin: germline.

Breakthrough Genomics
Classification: Benign. Review status: criteria provided, single submitter. Criteria: ACMG Guidelines, 2015. Collection method: not provided. Allele origin: germline. Inheritance: Unknown mechanism. Affected: yes.

PreventionGenetics, part of Exact Sciences
Classification: Benign for ANKZF1-related condition. Last evaluated: 2019-02-26. Review status: no assertion criteria provided. Collection method: clinical testing. Allele origin: germline. Not counted in ClinVar's aggregate classification.
Comment: This variant is classified as benign based on ACMG/AMP sequence variant interpretation guidelines (Richards et al. 2015 PMID: 25741868, with internal and published modifications).